The following is an entry in ClinVar:

ClinVar aggregate classification (germline): Likely benign. Review status: criteria provided, multiple submitters, no conflicts (2 of 4 stars). 2 submissions from 2 submitters: Likely benign (2). Last evaluated 2024-02-20.

Conditions:
Hereditary hemorrhagic telangiectasia (HHT). Also called: ORW DISEASE; Osler Weber Rendu syndrome; OSLER-RENDU-WEBER DISEASE; Osler hemorrhagic telangiectasia syndrome. Identifiers: Orphanet 774, MedGen C0039445, MONDO:0019180. Disease mechanism: loss of function.

Allele frequency attached by ClinVar (database versions not stated): ESP Exome Variant Server 0.00008; 1000 Genomes Project 30x 0.00016; 1000 Genomes Project 0.00020.
gnomAD v4.1: 12 of 1,613,016 alleles (0.00074%); highest among the groups gnomAD compares: African/African-American, 0.012%; no homozygotes.

Submissions (2):

Women's Health and Genetics/Laboratory Corporation of America, LabCorp
Classification: Likely benign. Last evaluated: 2024-02-20. Review status: criteria provided, single submitter. Criteria: LabCorp Variant Classification Summary - May 2015. Collection method: clinical testing. Allele origin: germline.
Comment: Variant summary: ENG c.1429-8C>T alters a conserved nucleotide located close to a canonical splice site and therefore could affect mRNA splicing, leading to a significantly altered protein sequence. Consensus agreement among computation tools predict no significant impact on normal splicing. However, these predictions have yet to be confirmed by functional studies. The variant allele was found at a frequency of 7.5e-06 in 1606044 control chromosomes, predominantly at a frequency of 0.00012 within the African or African-American subpopulation in the gnomAD database (v4.0 dataset). This frequency is higher than the estimated maximum expected for a pathogenic variant in ENG causing Hereditary Hemorrhagic Telangiectasia (4.2e-05), suggesting that this variant is likely not associated with a highly penetrant, early onset dominant disease. To our knowledge, no occurrence of c.1429-8C>T in individuals affected with Hereditary Hemorrhagic Telangiectasia and no experimental evidence demonstrating its impact on protein function have been reported. ClinVar contains an entry for this variant (Variation ID: 2161109). Based on the evidence outlined above, the variant was classified as likely benign.

Labcorp Genetics (formerly Invitae), Labcorp
Classification: Likely benign for Hereditary hemorrhagic telangiectasia. Last evaluated: 2022-10-30. Review status: criteria provided, single submitter. Criteria: Invitae Variant Classification Sherloc (09022015). Collection method: clinical testing. Allele origin: germline.

NM_001114753.3(ENG):c.1429-8C>T

Genes: ENG (endoglin; minus strand), LOC102723566 (uncharacterized LOC102723566; plus strand). Cytogenetic location: 9q34.11.
Variant type: single nucleotide variant.
Coding change: c.1429-8C>T on transcript NM_001114753.3 (MANE Select); 8 bases into the intron before coding-DNA position 1429, C replaced by T.
Molecular consequence: intron variant. On other transcripts: non-coding transcript variant (1).
Genome position (GRCh38, 1-based): chr9:127,818,385, G>A on the plus strand (C>T on the coding strand, the complement: ENG is on the minus strand). VCF-style: chr9-127818385-G-A. GRCh37 (hg19) VCF-style: chr9-130580664-G-A.
Other names: c.1429-8C>T (NM_000118.4, NM_000118.3); c.883-8C>T (NM_001278138.2).
Identifiers: ClinVar variation 2161109 (VCV002161109.6), dbSNP rs376169815, ClinGen allele CA5252765.